The following is an entry in ClinVar:

NM_003611.3(OFD1):c.1948A>G (p.Arg650Gly)

Gene: OFD1 (OFD1 centriole and centriolar satellite protein; plus strand). Cytogenetic location: Xp22.2.
Variant type: single nucleotide variant.
Coding change: c.1948A>G on transcript NM_003611.3 (MANE Select); coding-DNA position 1948, A replaced by G.
Protein change: p.Arg650Gly; replaces arginine 650 with glycine.
Molecular consequence: missense variant.
Genome position (GRCh38, 1-based): chrX:13,760,408, A>G. VCF-style: chrX-13760408-A-G. GRCh37 (hg19) VCF-style: chrX-13778527-A-G.
Other names: c.1828A>G, p.Arg610Gly (NM_001330209.2); c.1528A>G, p.Arg510Gly (NM_001330210.2); short protein forms R510G, R610G, R650G.
Identifiers: ClinVar variation 3749179 (VCV003749179.3).

ClinVar aggregate classification (germline): Uncertain significance. Review status: criteria provided, multiple submitters, no conflicts (2 of 4 stars). 2 submissions from 2 submitters: Uncertain significance (2). Last evaluated 2024-07-25.

Conditions:
Joubert syndrome. Also called: Familial aplasia of the vermis; JOUBERT-BOLTSHAUSER SYNDROME. Identifiers: Orphanet 475, MedGen C5979921, MONDO:0018772.
Orofaciodigital syndrome I (OFD1). Also called: Papillon-Leage and Psaume Syndrome; Oral-Facial-Digital Syndrome Type I; OFDS I. Identifiers: Orphanet 2750, MedGen C1510460, MONDO:0010702, OMIM 311200.

Submissions (2):

Blueprint Genetics
Classification: Uncertain significance. Last evaluated: 2024-07-25. Review status: criteria provided, single submitter. Criteria: ACMG Guidelines, 2015. Collection method: clinical testing. Allele origin: germline.

Labcorp Genetics (formerly Invitae), Labcorp
Classification: Uncertain significance for Orofaciodigital syndrome I; Joubert syndrome. Last evaluated: 2024-06-12. Review status: criteria provided, single submitter. Criteria: Invitae Variant Classification Sherloc (09022015). Collection method: clinical testing. Allele origin: germline.
Comment: This sequence change replaces arginine, which is basic and polar, with glycine, which is neutral and non-polar, at codon 650 of the OFD1 protein (p.Arg650Gly). This variant is not present in population databases (gnomAD no frequency). This variant has not been reported in the literature in individuals affected with OFD1-related conditions. Advanced modeling of protein sequence and biophysical properties (such as structural, functional, and spatial information, amino acid conservation, physicochemical variation, residue mobility, and thermodynamic stability) has been performed at Invitae for this missense variant, however the output from this modeling did not meet the statistical confidence thresholds required to predict the impact of this variant on OFD1 protein function. In summary, the available evidence is currently insufficient to determine the role of this variant in disease. Therefore, it has been classified as a Variant of Uncertain Significance.